The following is an entry in ClinVar:

ClinVar aggregate classification (germline): Likely benign. Review status: criteria provided, multiple submitters, no conflicts (2 of 4 stars). 2 submissions from 2 submitters: Likely benign (2). Last evaluated 2025-12-17.

Allele frequency attached by ClinVar (database versions not stated): 1000 Genomes Project 30x 0.00016; 1000 Genomes Project 0.00020; gnomAD 0.00034; ExAC 0.00045; TOPMed 0.00056; ESP Exome Variant Server 0.00072.
gnomAD v4.1: 1,112 of 1,613,928 alleles (0.069%); highest among the groups gnomAD compares: Non-Finnish European, 0.086%; 1 homozygote.

Submissions (2):

Mayo Clinic Laboratories, Mayo Clinic
Classification: Likely benign. Last evaluated: 2025-12-17. Review status: criteria provided, single submitter. Criteria: ACMG Guidelines, 2015. Collection method: clinical testing. Allele origin: germline. Observed: 2 variant alleles.
Comment: BS2, BP4, BP7

CeGaT Center for Human Genetics Tuebingen
Classification: Likely benign. Last evaluated: 2022-10-01. Review status: criteria provided, single submitter. Criteria: CeGaT Center For Human Genetics Tuebingen Variant Classification Criteria Version 2. Collection method: clinical testing. Allele origin: germline. Affected: yes. Observed: 1 variant allele.
Comment: TENM4: BP4, BP7

NM_001098816.3(TENM4):c.4845C>T (p.Asp1615=)

Gene: TENM4 (teneurin transmembrane protein 4; minus strand). Cytogenetic location: 11q14.1.
Variant type: single nucleotide variant.
Coding change: c.4845C>T on transcript NM_001098816.3 (MANE Select); coding-DNA position 4845, C replaced by T.
Protein change: p.Asp1615=; no amino-acid change (aspartic acid 1615 retained).
Molecular consequence: synonymous variant.
Genome position (GRCh38, 1-based): chr11:78,701,768, G>A on the plus strand (C>T on the coding strand, the complement: TENM4 is on the minus strand). VCF-style: chr11-78701768-G-A. GRCh37 (hg19) VCF-style: chr11-78412813-G-A.
Other names: p.Asp1615=.
Identifiers: ClinVar variation 2642217 (VCV002642217.25), dbSNP rs201252316, ClinGen allele CA6206745.